The following is an entry in ClinVar:

ClinVar aggregate classification (germline): Uncertain significance. Review status: criteria provided, multiple submitters, no conflicts (2 of 4 stars). 3 submissions from 3 submitters: Uncertain significance (3). Last evaluated 2024-05-15.

Conditions:
Joubert syndrome 3 (JBTS3). Also called: AHI1-related Ciliopathy. Identifiers: Orphanet 220493, MedGen C1837713, MONDO:0012078, OMIM 608629.
Joubert syndrome. Also called: Familial aplasia of the vermis; JOUBERT-BOLTSHAUSER SYNDROME. Identifiers: Orphanet 475, MedGen C5979921, MONDO:0018772.

Allele frequency attached by ClinVar (database versions not stated): gnomAD exomes below 0.00001; ExAC 0.00001.
gnomAD v4.1: 1 of 1,608,206 alleles (0.000062%); highest among the groups gnomAD compares: Admixed American, 0.0017%; no homozygotes.

Submissions (3):

Labcorp Genetics (formerly Invitae), Labcorp
Classification: Uncertain significance for Joubert syndrome. Last evaluated: 2024-05-15. Review status: criteria provided, single submitter. Criteria: Invitae Variant Classification Sherloc (09022015). Collection method: clinical testing. Allele origin: germline.
Comment: This sequence change replaces threonine, which is neutral and polar, with alanine, which is neutral and non-polar, at codon 754 of the AHI1 protein (p.Thr754Ala). This variant is present in population databases (rs752392677, gnomAD 0.003%). This variant has not been reported in the literature in individuals affected with AHI1-related conditions. ClinVar contains an entry for this variant (Variation ID: 1440770). Advanced modeling of protein sequence and biophysical properties (such as structural, functional, and spatial information, amino acid conservation, physicochemical variation, residue mobility, and thermodynamic stability) performed at Invitae indicates that this missense variant is not expected to disrupt AHI1 protein function with a negative predictive value of 95%. In summary, the available evidence is currently insufficient to determine the role of this variant in disease. Therefore, it has been classified as a Variant of Uncertain Significance.

Fulgent Genetics
Classification: Uncertain significance for Joubert syndrome 3. Last evaluated: 2021-07-24. Review status: criteria provided, single submitter. Criteria: ACMG Guidelines, 2015. Collection method: clinical testing. Allele origin: unknown.

Blueprint Genetics
Classification: Uncertain significance. Last evaluated: 2020-11-09. Review status: criteria provided, single submitter. Criteria: ACMG Guidelines, 2015. Collection method: clinical testing. Allele origin: germline.

NM_001134831.2(AHI1):c.2260A>G (p.Thr754Ala)

Gene: AHI1 (Abelson helper integration site 1; minus strand). Cytogenetic location: 6q23.3.
Variant type: single nucleotide variant.
Coding change: c.2260A>G on transcript NM_001134831.2 (MANE Select); coding-DNA position 2260, A replaced by G.
Protein change: p.Thr754Ala; replaces threonine 754 with alanine.
Molecular consequence: missense variant.
Genome position (GRCh38, 1-based): chr6:135,433,033, T>C on the plus strand (A>G on the coding strand, the complement: AHI1 is on the minus strand). VCF-style: chr6-135433033-T-C. GRCh37 (hg19) VCF-style: chr6-135754171-T-C.
Other names: c.2260A>G, p.Thr754Ala (NM_001134830.2, NM_001134832.2, NM_001350503.2 and 2 more transcripts); short protein forms T754A.
Identifiers: ClinVar variation 1440770 (VCV001440770.7), dbSNP rs752392677, ClinGen allele CA4012416.